The following is an entry in ClinVar:

ClinVar aggregate classification (germline): Uncertain significance (1 of 4 stars; one submission).

Allele frequency attached by ClinVar (database versions not stated): gnomAD 0.00001.
gnomAD v4.1: 1 of 1,209,171 alleles (0.000083%); highest among the groups gnomAD compares: Non-Finnish European, 0.00011%; no homozygotes.

Submission:

GeneDx
Classification: Uncertain significance. Last evaluated: 2022-05-06. Review status: criteria provided, single submitter. Criteria: GeneDx Variant Classification Process June 2021. Collection method: clinical testing. Allele origin: germline. Affected: yes.
Comment: Not observed at significant frequency in large population cohorts (gnomAD); In silico analysis supports that this missense variant has a deleterious effect on protein structure/function; Has not been previously published as pathogenic or benign to our knowledge

NM_181332.3(NLGN4X):c.1610A>G (p.Asn537Ser)

Gene: NLGN4X (neuroligin 4 X-linked; minus strand). Cytogenetic location: Xp22.32.
Variant type: single nucleotide variant.
Coding change: c.1610A>G on transcript NM_181332.3 (MANE Select); coding-DNA position 1610, A replaced by G.
Protein change: p.Asn537Ser; replaces asparagine 537 with serine.
Molecular consequence: missense variant.
Genome position (GRCh38, 1-based): chrX:5,893,658, T>C on the plus strand (A>G on the coding strand, the complement: NLGN4X is on the minus strand). VCF-style: chrX-5893658-T-C. GRCh37 (hg19) VCF-style: chrX-5811699-T-C.
Other names: c.1610A>G, p.Asn537Ser (NM_001282145.2, NM_001282146.2, NM_020742.4); short protein forms N537S.
Identifiers: ClinVar variation 1723032 (VCV001723032.2), dbSNP rs2031328782, ClinGen allele CA412014093.
Genomic context (GRCh38, chrX:5,893,658, plus strand): 5'-ACTTCTTCAAAGCGGTTGGGTTTTGTGTGAATGAACTTGGTATCCTGAGGAACTGGTTGA[T>C]TTGGATCACTGAGGATAGAAGGAAGAAAAAAAGAAAGGTCATACTCTTCCACATGTGACG-3'
Protein context (NP_851849.1, residues 527-547): WTNFAKTGDP[Asn537Ser]QPVPQDTKFI